The following is an entry in ClinVar:

ClinVar aggregate classification (germline): Uncertain significance (1 of 4 stars; one submission).

Submission:

GeneDx
Classification: Uncertain significance. Last evaluated: 2024-12-06. Review status: criteria provided, single submitter. Criteria: GeneDx Variant Classification Process June 2021. Collection method: clinical testing. Allele origin: germline. Affected: yes.
Comment: Not observed at significant frequency in large population cohorts (gnomAD); In silico analysis supports that this missense variant has a deleterious effect on protein structure/function; Has not been previously published as pathogenic or benign to our knowledge

NM_176787.5(PIGN):c.2579T>G (p.Leu860Arg)

Gene: PIGN (phosphatidylinositol glycan anchor biosynthesis class N; minus strand). Cytogenetic location: 18q21.33.
Variant type: single nucleotide variant.
Coding change: c.2579T>G on transcript NM_176787.5 (MANE Select); coding-DNA position 2579, T replaced by G.
Protein change: p.Leu860Arg; replaces leucine 860 with arginine.
Molecular consequence: missense variant.
Genome position (GRCh38, 1-based): chr18:62,074,819, A>C on the plus strand (T>G on the coding strand, the complement: PIGN is on the minus strand). VCF-style: chr18-62074819-A-C. GRCh37 (hg19) VCF-style: chr18-59742052-A-C.
Other names: c.2579T>G, p.Leu860Arg (NM_012327.6); short protein forms L860R.
Identifiers: ClinVar variation 3901783 (VCV003901783.1).
Genomic context (GRCh38, chr18:62,074,819, plus strand): 5'-ACTACCCAGTAATGCCTTACCAAAGCCATAATGTCTGATATGACGAGAACAATGAGAAAA[A>C]GGCTGGAAAAAAAAAGAAGGAAAAATTACATCTAATACAACAGGTGCATTTTTCAAGCTC-3'
Protein context (NP_789744.1, residues 850-870): QLTTQLSSKS[Leu860Arg]FLIVLVISDI